The following is an entry in ClinVar:

NM_001844.5(COL2A1):c.1621C>T (p.Pro541Ser)

Gene: COL2A1 (collagen type II alpha 1 chain; minus strand). Cytogenetic location: 12q13.11.
Variant type: single nucleotide variant.
Coding change: c.1621C>T on transcript NM_001844.5 (MANE Select); coding-DNA position 1621, C replaced by T.
Protein change: p.Pro541Ser; replaces proline 541 with serine.
Molecular consequence: missense variant.
Genome position (GRCh38, 1-based): chr12:47,985,787, G>A on the plus strand (C>T on the coding strand, the complement: COL2A1 is on the minus strand). VCF-style: chr12-47985787-G-A. GRCh37 (hg19) VCF-style: chr12-48379570-G-A.
Other names: c.1414C>T, p.Pro472Ser (NM_033150.3); short protein forms P541S, P472S.
Identifiers: ClinVar variation 1408366 (VCV001408366.6), dbSNP rs2136567965, ClinGen allele CA384551611.
Genomic context (GRCh38, chr12:47,985,787, plus strand): 5'-CCCGGGCTCCAGGAAGGCCAGGTTCTCCAGGACGGCCAGGGTCACCGTTGGCTCCCTTGG[G>A]GCCAGCAAGACCACTGGGCCCTCGCTCTCCAGGGGCTCCCTACAAGGGTACACAGGGAGT-3'
Protein context (NP_001835.3, residues 531-551): GERGPSGLAG[Pro541Ser]KGANGDPGRP

ClinVar aggregate classification (germline): Uncertain significance (1 of 4 stars; one submission).

Submission:

Labcorp Genetics (formerly Invitae), Labcorp
Classification: Uncertain significance. Last evaluated: 2025-06-12. Review status: criteria provided, single submitter. Criteria: Invitae Variant Classification Sherloc (09022015). Collection method: clinical testing. Allele origin: germline.
Comment: This sequence change replaces proline, which is neutral and non-polar, with serine, which is neutral and polar, at codon 541 of the COL2A1 protein (p.Pro541Ser). This variant is not present in population databases (gnomAD no frequency). This variant has not been reported in the literature in individuals affected with COL2A1-related conditions. ClinVar contains an entry for this variant (Variation ID: 1408366). Invitae Evidence Modeling of protein sequence and biophysical properties (such as structural, functional, and spatial information, amino acid conservation, physicochemical variation, residue mobility, and thermodynamic stability) indicates that this missense variant is not expected to disrupt COL2A1 protein function with a negative predictive value of 95%. In summary, the available evidence is currently insufficient to determine the role of this variant in disease. Therefore, it has been classified as a Variant of Uncertain Significance.